The following is an entry in ClinVar:

NM_001371986.1(UNC80):c.7000C>A (p.Pro2334Thr)

Gene: UNC80 (unc-80 homolog, NALCN channel complex subunit; plus strand). Cytogenetic location: 2q34.
Variant type: single nucleotide variant.
Coding change: c.7000C>A on transcript NM_001371986.1 (MANE Select); coding-DNA position 7000, C replaced by A.
Protein change: p.Pro2334Thr; replaces proline 2334 with threonine.
Molecular consequence: missense variant.
Genome position (GRCh38, 1-based): chr2:209,943,464, C>A. VCF-style: chr2-209943464-C-A. GRCh37 (hg19) VCF-style: chr2-210808188-C-A.
Other names: c.6802C>A, p.Pro2268Thr (NM_032504.2); c.6787C>A, p.Pro2263Thr (NM_182587.4); short protein forms P2263T, P2334T, P2268T.
Identifiers: ClinVar variation 1493331 (VCV001493331.5), dbSNP rs2124981640, ClinGen allele CA350773535.

ClinVar aggregate classification (germline): Uncertain significance (1 of 4 stars; one submission).

Allele frequency attached by ClinVar (database versions not stated): gnomAD exomes below 0.00001.
gnomAD v4.1: 1 of 1,552,002 alleles (0.000064%); highest among the groups gnomAD compares: Non-Finnish European, 0.000087%; no homozygotes.

Submission:

Labcorp Genetics (formerly Invitae), Labcorp
Classification: Uncertain significance. Last evaluated: 2020-12-13. Review status: criteria provided, single submitter. Criteria: Invitae Variant Classification Sherloc (09022015). Collection method: clinical testing. Allele origin: germline.
Comment: This sequence change replaces proline with threonine at codon 2268 of the UNC80 protein (p.Pro2268Thr). The proline residue is moderately conserved and there is a small physicochemical difference between proline and threonine. This variant is not present in population databases (ExAC no frequency). This variant has not been reported in the literature in individuals with UNC80-related conditions. Algorithms developed to predict the effect of missense changes on protein structure and function are either unavailable or do not agree on the potential impact of this missense change (SIFT: "Not Available"; PolyPhen-2: "Probably Damaging"; Align-GVGD: "Not Available"). In summary, the available evidence is currently insufficient to determine the role of this variant in disease. Therefore, it has been classified as a Variant of Uncertain Significance.